The following is an entry in ClinVar:

NM_006576.4(AVIL):c.2331C>A (p.Asn777Lys)

Genes: AVIL (advillin; minus strand), TSFM (Ts translation elongation factor, mitochondrial; plus strand). Cytogenetic location: 12q14.1.
Variant type: single nucleotide variant.
Coding change: c.2331C>A on transcript NM_006576.4 (MANE Select); coding-DNA position 2331, C replaced by A.
Protein change: p.Asn777Lys; replaces asparagine 777 with lysine.
Molecular consequence: missense variant. On other transcripts: intron variant (1).
Genome position (GRCh38, 1-based): chr12:57,799,810, G>T on the plus strand (C>A on the coding strand, the complement: AVIL is on the minus strand). VCF-style: chr12-57799810-G-T. GRCh37 (hg19) VCF-style: chr12-58193593-G-T.
Other names: c.572-2745G>T (NM_001172697.2); short protein forms N777K.
Identifiers: ClinVar variation 2386846 (VCV002386846.3), dbSNP rs202198298, ClinGen allele CA6659529.

ClinVar aggregate classification (germline): Uncertain significance. Review status: criteria provided, multiple submitters, no conflicts (2 of 4 stars). 2 submissions from 2 submitters: Uncertain significance (2). Last evaluated 2024-06-22.

Conditions:
Nephrotic syndrome, type 21. Identifiers: MedGen C5231498, MONDO:0032826, OMIM 618594.

Allele frequency attached by ClinVar (database versions not stated): ExAC 0.00018; 1000 Genomes Project 30x 0.00031; 1000 Genomes Project 0.00040.
gnomAD v4.1: 209 of 1,614,026 alleles (0.013%); highest among the groups gnomAD compares: East Asian, 0.076%; 7 homozygotes.

Submissions (2):

3billion
Classification: Uncertain significance for Nephrotic syndrome, type 21. Last evaluated: 2024-06-22. Review status: criteria provided, single submitter. Criteria: ACMG Guidelines, 2015. Collection method: clinical testing. Allele origin: germline. Affected: yes.
Comment: The variant is observed at an extremely low frequency in the gnomAD v4.0.0 dataset (total allele frequency: 0.013%). Predicted Consequence/Location: Missense changes are a common disease-causing mechanism. In silico tool predictions suggest no damaging effect of the variant on gene or gene product [REVEL: 0.03 (<0.4); 3Cnet: 0.13 (<0.15, specificity 0.78 and negative predictive value 0.92)]. Therefore, this variant is classified as VUS according to the recommendation of ACMG/AMP guideline.

Ambry Genetics
Classification: Uncertain significance. Last evaluated: 2021-10-12. Review status: criteria provided, single submitter. Criteria: Ambry Variant Classification Scheme 2023. Collection method: clinical testing. Allele origin: germline.